The following is an entry in ClinVar:

ClinVar aggregate classification (germline): Uncertain significance (1 of 4 stars; one submission).

Submission:

GeneDx
Classification: Uncertain significance. Last evaluated: 2025-07-06. Review status: criteria provided, single submitter. Criteria: GeneDx Variant Classification Process June 2021. Collection method: clinical testing. Allele origin: germline.
Comment: Not observed at significant frequency in large population cohorts (gnomAD); Frameshift variant predicted to result in protein truncation or nonsense mediated decay in a gene or region of a gene for which loss of function is not a well-established mechanism of disease; Has not been previously published as pathogenic or benign to our knowledge

NM_015267.4(CUX2):c.3235_3236del (p.Gln1079fs)

Gene: CUX2 (cut like homeobox 2; plus strand). Cytogenetic location: 12q24.12.
Variant type: Microsatellite.
Coding change: c.3235_3236del on transcript NM_015267.4 (MANE Select); coding-DNA positions 3235 to 3236, 2 bases deleted (CA; older notation c.3235_3236delCA).
Protein change: p.Gln1079fs; shifts the reading frame from glutamine 1079.
Molecular consequence: frameshift variant.
Genome position (GRCh38, 1-based): chr12:111,338,324-111,338,325, CA deleted; deleting any 2 consecutive bases within chr12:111,338,321-111,338,325 gives the same sequence; the c. name uses the placement nearest the transcript's 3' end. VCF-style (leftmost placement, unchanged base first): chr12-111338320-GAC-G. GRCh37 (hg19) VCF-style: chr12-111776124-GAC-G.
Other names: c.3049_3050del, p.Gln1017fs (NM_001370598.1); short protein forms Q1017fs, Q1079fs.
Identifiers: ClinVar variation 1800949 (VCV001800949.2), dbSNP rs2499919179, ClinGen allele CA2580614559.
Genomic context (GRCh38, chr12:111,338,320, plus strand): 5'-AGATTGCTCCCCTCCCCTATCCCCAGGGCAGCGGCTGTTTGGGGAAAGCATCCTGGGTCT[GAC>G]ACAGGGCTCCGTGTCTGACCTGCTGTCCCGGCCCAAACCCTGGCACAAGCTGAGCCTGAA-3'